The following is an entry in ClinVar:

ClinVar aggregate classification (germline): Uncertain significance. Review status: criteria provided, multiple submitters, no conflicts (2 of 4 stars). 2 submissions from 2 submitters: Uncertain significance (2). Last evaluated 2025-07-25.

Conditions:
Arrhythmogenic cardiomyopathy with wooly hair and keratoderma. Also called: Dilated cardiomyopathy with woolly hair and keratoderma; PALMOPLANTAR KERATODERMA WITH LEFT VENTRICULAR CARDIOMYOPATHY AND WOOLLY HAIR; Carvajal syndrome; Arrhythmogenic cardiomyopathy with woolly hair and keratoderma. Identifiers: Orphanet 65282, MedGen C1854063, MONDO:0011581, OMIM 605676.
Arrhythmogenic right ventricular dysplasia 8 (ARVD8). Also called: Arrhythmogenic Right Ventricular Dysplasia/Cardiomyopathy 8; ARRHYTHMOGENIC RIGHT VENTRICULAR DYSPLASIA, FAMILIAL, 8; ARRHYTHMOGENIC RIGHT VENTRICULAR CARDIOMYOPATHY 8. Identifiers: MedGen C1843896, MONDO:0011831, OMIM 607450.

Submissions (2):

GeneDx
Classification: Uncertain significance. Last evaluated: 2025-07-25. Review status: criteria provided, single submitter. Criteria: GeneDx Variant Classification Process June 2021. Collection method: clinical testing. Allele origin: germline. Affected: yes.
Comment: Not observed at significant frequency in large population cohorts (gnomAD); In silico analysis supports that this missense variant has a deleterious effect on protein structure/function; Has not been previously published as pathogenic or benign to our knowledge

Labcorp Genetics (formerly Invitae), Labcorp
Classification: Uncertain significance for Arrhythmogenic cardiomyopathy with wooly hair and keratoderma; Arrhythmogenic right ventricular dysplasia 8. Last evaluated: 2024-06-11. Review status: criteria provided, single submitter. Criteria: Invitae Variant Classification Sherloc (09022015). Collection method: clinical testing. Allele origin: germline.
Comment: This sequence change replaces serine, which is neutral and polar, with phenylalanine, which is neutral and non-polar, at codon 2676 of the DSP protein (p.Ser2676Phe). This variant is not present in population databases (gnomAD no frequency). This variant has not been reported in the literature in individuals affected with DSP-related conditions. An algorithm developed to predict the effect of missense changes on protein structure and function (PolyPhen-2) suggests that this variant is likely to be disruptive. In summary, the available evidence is currently insufficient to determine the role of this variant in disease. Therefore, it has been classified as a Variant of Uncertain Significance.

NM_004415.4(DSP):c.8027C>T (p.Ser2676Phe)

Gene: DSP (desmoplakin; plus strand). Cytogenetic location: 6p24.3.
Variant type: single nucleotide variant.
Coding change: c.8027C>T on transcript NM_004415.4 (MANE Select); coding-DNA position 8027, C replaced by T.
Protein change: p.Ser2676Phe; replaces serine 2676 with phenylalanine.
Molecular consequence: missense variant.
Genome position (GRCh38, 1-based): chr6:7,585,289, C>T. VCF-style: chr6-7585289-C-T. GRCh37 (hg19) VCF-style: chr6-7585522-C-T.
Other names: c.6230C>T, p.Ser2077Phe (NM_001008844.3); c.6698C>T, p.Ser2233Phe (NM_001319034.2); short protein forms S2077F, S2233F, S2676F.
Identifiers: ClinVar variation 3753119 (VCV003753119.3).